The following is an entry in ClinVar:

ClinVar aggregate classification (germline): Conflicting classifications of pathogenicity. Review status: criteria provided, conflicting classifications (1 of 4 stars). 3 submissions from 3 submitters: Uncertain significance (2); Likely benign (1). Last evaluated 2024-10-01.

Conditions:
Epidermolysis bullosa, junctional 5A, intermediate. Also called: EPIDERMOLYSIS BULLOSA, JUNCTIONAL 5A, GENERALIZED INTERMEDIATE; EPIDERMOLYSIS BULLOSA, JUNCTIONAL 5A, NON-HERLITZ TYPE. Identifiers: MedGen C5676956, MONDO:0030768, OMIM 619816.
Junctional epidermolysis bullosa with pyloric atresia. Also called: APLASIA CUTIS CONGENITA WITH GASTROINTESTINAL ATRESIA; ITGB4-Related Epidermolysis Bullosa with Pyloric Atresia; ITGA6-Related Epidermolysis Bullosa with Pyloric Atresia; Epidermolysis bullosa, junctional, with pyloric atresia and aplasia cutis congenita; Epidermolysis bullosa junctionalis with pyloric atresia; EPIDERMOLYSIS BULLOSA, JUNCTIONAL 5B, WITH PYLORIC ATRESIA. Identifiers: Orphanet 79403, MedGen C5676875, MONDO:0009183, OMIM 226730.
Inborn genetic diseases. Identifiers: MedGen C0950123, MeSH D030342.

Allele frequency attached by ClinVar (database versions not stated): ExAC 0.00004; gnomAD 0.00007; ESP Exome Variant Server 0.00008; TOPMed 0.00011; 1000 Genomes Project 30x 0.00016; 1000 Genomes Project 0.00020.
gnomAD v4.1: 40 of 1,613,726 alleles (0.0025%); highest among the groups gnomAD compares: Middle Eastern, 0.016%; no homozygotes.

Submissions (3):

Ambry Genetics
Classification: Likely benign for Inborn genetic diseases. Last evaluated: 2024-10-01. Review status: criteria provided, single submitter. Criteria: Ambry Variant Classification Scheme 2023. Collection method: clinical testing. Allele origin: germline.

Fulgent Genetics
Classification: Uncertain significance for Junctional epidermolysis bullosa with pyloric atresia; Epidermolysis bullosa, junctional 5A, intermediate. Last evaluated: 2024-04-10. Review status: criteria provided, single submitter. Criteria: ACMG Guidelines, 2015. Collection method: clinical testing. Allele origin: germline.

Labcorp Genetics (formerly Invitae), Labcorp
Classification: Uncertain significance. Last evaluated: 2022-08-09. Review status: criteria provided, single submitter. Criteria: Invitae Variant Classification Sherloc (09022015). Collection method: clinical testing. Allele origin: germline.
Comment: This sequence change replaces arginine, which is basic and polar, with histidine, which is basic and polar, at codon 5 of the ITGB4 protein (p.Arg5His). This variant is present in population databases (rs374855840, gnomAD 0.01%). This variant has not been reported in the literature in individuals affected with ITGB4-related conditions. Algorithms developed to predict the effect of missense changes on protein structure and function output the following: SIFT: "Not Available"; PolyPhen-2: "Benign"; Align-GVGD: "Not Available". The histidine amino acid residue is found in multiple mammalian species, which suggests that this missense change does not adversely affect protein function. In summary, the available evidence is currently insufficient to determine the role of this variant in disease. Therefore, it has been classified as a Variant of Uncertain Significance.

NM_000213.5(ITGB4):c.14G>A (p.Arg5His)

Gene: ITGB4 (integrin subunit beta 4; plus strand). Cytogenetic location: 17q25.1.
Variant type: single nucleotide variant.
Coding change: c.14G>A on transcript NM_000213.5 (MANE Select); coding-DNA position 14, G replaced by A.
Protein change: p.Arg5His; replaces arginine 5 with histidine.
Molecular consequence: missense variant.
Genome position (GRCh38, 1-based): chr17:75,724,717, G>A. VCF-style: chr17-75724717-G-A. GRCh37 (hg19) VCF-style: chr17-73720797-G-A.
Other names: c.14G>A, p.Arg5His (NM_001005619.2, NM_001005731.3, NM_001321123.2); short protein forms R5H.
Identifiers: ClinVar variation 2082583 (VCV002082583.3), dbSNP rs374855840, ClinGen allele CA8768513.
Genomic context (GRCh38, chr17:75,724,717, plus strand): 5'-GTGGAGGCCTCATGTGTCAATTGTTGCTGTTCTGCAGGAGGAAGAGGATGGCAGGGCCAC[G>A]CCCCAGCCCATGGGCCAGGCTGCTCCTGGCAGCCTTGATCAGCGTCAGCCTCTCTGGGAC-3'
Protein context (NP_000204.3, residues 1-15): MAGP[Arg5His]PSPWARLLLA